The following is an entry in ClinVar:

NM_000493.4(COL10A1):c.23T>G (p.Leu8Trp)

Genes: COL10A1 (collagen type X alpha 1 chain; minus strand), NT5DC1 (5'-nucleotidase domain containing 1; plus strand). Cytogenetic location: 6q22.1.
Variant type: single nucleotide variant.
Coding change: c.23T>G on transcript NM_000493.4 (MANE Select); coding-DNA position 23, T replaced by G.
Protein change: p.Leu8Trp; replaces leucine 8 with tryptophan.
Molecular consequence: missense variant. On other transcripts: intron variant (1).
Genome position (GRCh38, 1-based): chr6:116,125,470, A>C on the plus strand (T>G on the coding strand, the complement: COL10A1 is on the minus strand). VCF-style: chr6-116125470-A-C. GRCh37 (hg19) VCF-style: chr6-116446633-A-C.
Other names: c.23T>G, p.Leu8Trp (NM_001424106.1, NM_001424107.1); c.529+7525A>C (NM_152729.3); short protein forms L8W.
Identifiers: ClinVar variation 195078 (VCV000195078.24), dbSNP rs34539681, ClinGen allele CA201546.

ClinVar aggregate classification (germline): Benign/Likely benign. Review status: criteria provided, multiple submitters, no conflicts (2 of 4 stars). 8 submissions from 8 submitters: Benign (2); Likely benign (6). Last evaluated 2026-05-21.

Conditions:
Metaphyseal chondrodysplasia, Schmid type (MCDS). Also called: SPONDYLOMETAPHYSEAL DYSPLASIA, JAPANESE TYPE. Identifiers: Orphanet 174, MedGen C0265289, MONDO:0007983, OMIM 156500.

Allele frequency attached by ClinVar (database versions not stated): gnomAD exomes 0.00036 and 0.00094; ExAC 0.00103; gnomAD 0.00305 and 0.00329; ESP Exome Variant Server 0.00315; TOPMed 0.00358; 1000 Genomes Project 0.00419; 1000 Genomes Project 30x 0.00437.
gnomAD v4.1: 1,026 of 1,613,846 alleles (0.064%); highest among the groups gnomAD compares: African/African-American, 1%; 4 homozygotes.

Submissions (8):

Women's Health and Genetics/Laboratory Corporation of America, LabCorp
Classification: Likely benign. Last evaluated: 2026-05-21. Review status: criteria provided, single submitter. Criteria: LabCorp Variant Classification Summary - May 2015. Collection method: clinical testing. Allele origin: germline.
Comment: Variant summary: COL10A1 c.23T>G (p.Leu8Trp) results in a non-conservative amino acid change in the encoded protein sequence. Algorithms developed to predict the effect of missense changes on protein structure and function all suggest that this variant is likely to be disruptive. The variant allele was found at a frequency of 0.00094 in 251440 control chromosomes, predominantly at a frequency of 0.011 within the African or African-American subpopulation in the gnomAD database. The observed variant frequency within African or African-American control individuals in the gnomAD database exceeds the estimated maximal expected allele frequency for disease-causing variants in COL10A1. To our knowledge, no occurrence of c.23T>G in individuals affected with COL10A1-related conditions and no experimental evidence demonstrating its impact on protein function have been reported. ClinVar contains an entry for this variant (Variation ID: 195078). Based on the evidence outlined above, the variant was classified as likely benign.

Labcorp Genetics (formerly Invitae), Labcorp
Classification: Benign. Last evaluated: 2026-01-26. Review status: criteria provided, single submitter. Criteria: Invitae Variant Classification Sherloc (09022015). Collection method: clinical testing. Allele origin: germline.

ARUP Laboratories, Molecular Genetics and Genomics, ARUP Laboratories
Classification: Likely benign for Metaphyseal chondrodysplasia, Schmid type. Last evaluated: 2024-10-28. Review status: criteria provided, single submitter. Criteria: ARUP Molecular Germline Variant Investigation Process 2024. Collection method: clinical testing. Allele origin: germline.

Blueprint Genetics
Classification: Likely benign. Last evaluated: 2024-10-21. Review status: criteria provided, single submitter. Criteria: ACMG Guidelines, 2015. Collection method: clinical testing. Allele origin: germline.

GeneDx
Classification: Likely benign. Last evaluated: 2020-01-05. Review status: criteria provided, single submitter. Criteria: GeneDx Variant Classification Process June 2021. Collection method: clinical testing. Allele origin: germline. Affected: yes.

Illumina Laboratory Services, Illumina
Classification: Likely benign for Metaphyseal chondrodysplasia, Schmid type. Last evaluated: 2017-04-27. Review status: criteria provided, single submitter. Criteria: ICSL Variant Classification Criteria 13 December 2019. Collection method: clinical testing. Allele origin: germline.
Comment: This variant was observed as part of a predisposition screen in an ostensibly healthy population. A literature search was performed for the gene, cDNA change, and amino acid change (where applicable). No publications were found based on this search. Allele frequency data from public databases allowed determination this variant is unlikely to cause disease. Therefore, this variant is classified as likely benign.

Eurofins Ntd Llc (ga)
Classification: Benign. Last evaluated: 2015-02-26. Review status: criteria provided, single submitter. Criteria: EGL Classification Definitions 2015. Collection method: clinical testing. Allele origin: germline. Observed: 1 variant allele, 1 heterozygote.

Breakthrough Genomics
Classification: Likely benign. Review status: criteria provided, single submitter. Criteria: ACMG Guidelines, 2015. Collection method: not provided. Allele origin: germline. Inheritance: Autosomal dominant inheritance. Affected: yes.